The following is an entry in ClinVar:

NM_144670.6(A2ML1):c.2419C>T (p.Arg807Cys)

Gene: A2ML1 (alpha-2-macroglobulin like 1; plus strand). Cytogenetic location: 12p13.31.
Variant type: single nucleotide variant.
Coding change: c.2419C>T on transcript NM_144670.6 (MANE Select); coding-DNA position 2419, C replaced by T.
Protein change: p.Arg807Cys; replaces arginine 807 with cysteine.
Molecular consequence: missense variant.
Genome position (GRCh38, 1-based): chr12:8,851,968, C>T. VCF-style: chr12-8851968-C-T. GRCh37 (hg19) VCF-style: chr12-9004564-C-T.
Other names: c.946C>T, p.Arg316Cys (NM_001282424.3); short protein forms R316C, R807C.
Identifiers: ClinVar variation 1927355 (VCV001927355.5), dbSNP rs1943907870, ClinGen allele CA383833436.

ClinVar aggregate classification (germline): Uncertain significance (1 of 4 stars; one submission).

Allele frequency attached by ClinVar (database versions not stated): gnomAD exomes 0.00001; TOPMed 0.00001.

Submission:

Labcorp Genetics (formerly Invitae), Labcorp
Classification: Uncertain significance. Last evaluated: 2025-05-01. Review status: criteria provided, single submitter. Criteria: Invitae Variant Classification Sherloc (09022015). Collection method: clinical testing. Allele origin: germline.
Comment: This sequence change replaces arginine, which is basic and polar, with cysteine, which is neutral and slightly polar, at codon 807 of the A2ML1 protein (p.Arg807Cys). This variant is not present in population databases (gnomAD no frequency). This variant has not been reported in the literature in individuals affected with A2ML1-related conditions. ClinVar contains an entry for this variant (Variation ID: 1927355). An algorithm developed to predict the effect of missense changes on protein structure and function (PolyPhen-2) suggests that this variant is likely to be disruptive. Algorithms developed to predict the effect of sequence changes on RNA splicing suggest that this variant may disrupt the consensus splice site. In summary, the available evidence is currently insufficient to determine the role of this variant in disease. Therefore, it has been classified as a Variant of Uncertain Significance.